The following is an entry in ClinVar:

ClinVar aggregate classification (germline): Uncertain significance (0 of 4 stars; one submission).

Conditions:
CREBBP-related disorder. Also called: CREBBP-related condition; CREBBP-related disorders.

Submission:

PreventionGenetics, part of Exact Sciences
Classification: Uncertain significance for CREBBP-related condition. Last evaluated: 2024-03-04. Review status: no assertion criteria provided. Collection method: clinical testing. Allele origin: germline.
Comment: The CREBBP c.3286C>T variant is predicted to result in the amino acid substitution p.Pro1096Ser. To our knowledge, this variant has not been reported in the literature or in a large population database, indicating this variant is rare. At this time, the clinical significance of this variant is uncertain due to the absence of conclusive functional and genetic evidence.

NM_004380.3(CREBBP):c.3286C>T (p.Pro1096Ser)

Gene: CREBBP (CREB binding lysine acetyltransferase; minus strand). Cytogenetic location: 16p13.3.
Variant type: single nucleotide variant.
Coding change: c.3286C>T on transcript NM_004380.3 (MANE Select); coding-DNA position 3286, C replaced by T.
Protein change: p.Pro1096Ser; replaces proline 1096 with serine.
Molecular consequence: missense variant.
Genome position (GRCh38, 1-based): chr16:3,758,937, G>A on the plus strand (C>T on the coding strand, the complement: CREBBP is on the minus strand). VCF-style: chr16-3758937-G-A. GRCh37 (hg19) VCF-style: chr16-3808938-G-A.
Other names: c.3172C>T, p.Pro1058Ser (NM_001079846.1); short protein forms P1058S, P1096S.
Identifiers: ClinVar variation 3348629 (VCV003348629.1).